The following is an entry in ClinVar:

ClinVar aggregate classification (germline): Uncertain significance (1 of 4 stars; one submission).

Conditions:
Blau syndrome (BLAUS). Also called: GRANULOMATOUS INFLAMMATORY ARTHRITIS, DERMATITIS, AND UVEITIS, FAMILIAL; JABS SYNDROME; ARTHROCUTANEOUVEAL GRANULOMATOSIS; GRANULOMATOSIS, FAMILIAL JUVENILE SYSTEMIC; GRANULOMATOSIS, FAMILIAL, BLAU TYPE. Identifiers: Orphanet 90340, MedGen C5201146, MONDO:0008523, OMIM 186580.
Regional enteritis. Also called: Enteritis, Granulomatous. Identifiers: MedGen C0678202, MeSH D003424.

Allele frequency attached by ClinVar (database versions not stated): gnomAD 0.00001; gnomAD exomes 0.00001 and 0.00006; TOPMed 0.00001; ExAC 0.00002; ESP Exome Variant Server 0.00015.
gnomAD v4.1: 89 of 1,611,278 alleles (0.0055%); highest among the groups gnomAD compares: Non-Finnish European, 0.0071%; no homozygotes.

Submission:

Labcorp Genetics (formerly Invitae), Labcorp
Classification: Uncertain significance for Regional enteritis; Blau syndrome. Last evaluated: 2026-01-07. Review status: criteria provided, single submitter. Criteria: Invitae Variant Classification Sherloc (09022015). Collection method: clinical testing. Allele origin: germline.
Comment: This sequence change replaces leucine, which is neutral and non-polar, with phenylalanine, which is neutral and non-polar, at codon 1018 of the NOD2 protein (p.Leu1018Phe). This variant is present in population databases (rs146435555, gnomAD 0.002%). This missense change has been observed in individual(s) with orofacial granulomatosis and Crohn's disease (PMID: 27306066). ClinVar contains an entry for this variant (Variation ID: 955794). Invitae Evidence Modeling of protein sequence and biophysical properties (such as structural, functional, and spatial information, amino acid conservation, physicochemical variation, residue mobility, and thermodynamic stability) has been performed for this missense variant. However, the output from this modeling did not meet the statistical confidence thresholds required to predict the impact of this variant on NOD2 protein function. In summary, the available evidence is currently insufficient to determine the role of this variant in disease. Therefore, it has been classified as a Variant of Uncertain Significance.

Literature cited by the submitters: PubMed 27306066.

NM_001370466.1(NOD2):c.2971C>T (p.Leu991Phe)

Genes: CYLD-AS1 (CYLD antisense RNA 1; minus strand), NOD2 (nucleotide binding oligomerization domain containing 2; plus strand). Cytogenetic location: 16q12.1.
Variant type: single nucleotide variant.
Coding change: c.2971C>T on transcript NM_001370466.1 (MANE Select); coding-DNA position 2971, C replaced by T.
Protein change: p.Leu991Phe; replaces leucine 991 with phenylalanine.
Molecular consequence: missense variant. On other transcripts: non-coding transcript variant (1).
Genome position (GRCh38, 1-based): chr16:50,731,748, C>T. VCF-style: chr16-50731748-C-T. GRCh37 (hg19) VCF-style: chr16-50765659-C-T.
Other names: c.2971C>T, p.Leu991Phe (NM_001293557.2); c.3052C>T, p.Leu1018Phe (NM_022162.3); short protein forms L1018F, L991F.
Identifiers: ClinVar variation 955794 (VCV000955794.10), dbSNP rs146435555, ClinGen allele CA8052065.